The following is an entry in ClinVar:

NC_000012.11:g.(?_53708515)_(53709586_?)del

Gene: AAAS (aladin WD repeat nucleoporin; minus strand). Cytogenetic location: 12q13.13.
Variant type: Deletion.
Identifiers: ClinVar variation 3244423 (VCV003244423.1).

ClinVar aggregate classification (germline): Pathogenic (1 of 4 stars; one submission).

Submission:

Labcorp Genetics (formerly Invitae), Labcorp
Classification: Pathogenic. Last evaluated: 2023-12-19. Review status: criteria provided, single submitter. Criteria: Invitae Variant Classification Sherloc (09022015). Collection method: clinical testing. Allele origin: unknown.
Comment: This variant is a gross deletion of the genomic region encompassing exon(s) 3-6 of the AAAS gene. This variant would be expected to be in-frame, preserving the integrity of the reading frame. This variant has not been reported in the literature in individuals affected with AAAS-related conditions. This variant disrupts a region of the AAAS protein in which other variant(s) (p.Ala167Val) have been determined to be pathogenic (PMID: 16609705, 18953174, 21626165, 35570467). This suggests that this is a clinically significant region of the protein, and that variants that disrupt it are likely to be disease-causing. For these reasons, this variant has been classified as Pathogenic.

Literature cited by the submitters: PubMed 16609705; PubMed 18953174; PubMed 21626165; PubMed 35570467.